The following is an entry in ClinVar:

NM_002775.5(HTRA1):c.1172C>T (p.Thr391Met)

Gene: HTRA1 (HtrA serine peptidase 1; plus strand). Cytogenetic location: 10q26.13.
Variant type: single nucleotide variant.
Coding change: c.1172C>T on transcript NM_002775.5 (MANE Select); coding-DNA position 1172, C replaced by T.
Protein change: p.Thr391Met; replaces threonine 391 with methionine.
Molecular consequence: missense variant.
Genome position (GRCh38, 1-based): chr10:122,510,147, C>T. VCF-style: chr10-122510147-C-T. GRCh37 (hg19) VCF-style: chr10-124269663-C-T.
Other names: short protein forms T391M.
Identifiers: ClinVar variation 1415634 (VCV001415634.6), dbSNP rs750990470, ClinGen allele CA5726079.

ClinVar aggregate classification (germline): Uncertain significance (1 of 4 stars; one submission).

Allele frequency attached by ClinVar (database versions not stated): gnomAD exomes below 0.00001 and 0.00001; ExAC 0.00002.
gnomAD v4.1: 7 of 1,613,576 alleles (0.00043%); highest among the groups gnomAD compares: Admixed American, 0.0033%; no homozygotes.

Submission:

Labcorp Genetics (formerly Invitae), Labcorp
Classification: Uncertain significance. Last evaluated: 2021-11-27. Review status: criteria provided, single submitter. Criteria: Invitae Variant Classification Sherloc (09022015). Collection method: clinical testing. Allele origin: germline.
Comment: This sequence change replaces threonine, which is neutral and polar, with methionine, which is neutral and non-polar, at codon 391 of the HTRA1 protein (p.Thr391Met). This variant is present in population databases (rs750990470, gnomAD 0.006%). This variant has not been reported in the literature in individuals affected with HTRA1-related conditions. Algorithms developed to predict the effect of missense changes on protein structure and function are either unavailable or do not agree on the potential impact of this missense change (SIFT: "Deleterious"; PolyPhen-2: "Possibly Damaging"; Align-GVGD: "Class C15"). In summary, the available evidence is currently insufficient to determine the role of this variant in disease. Therefore, it has been classified as a Variant of Uncertain Significance.